The following is an entry in ClinVar:

ClinVar aggregate classification (germline): Pathogenic (1 of 4 stars; one submission).

Conditions:
Intellectual developmental disorder with microcephaly and with or without ocular malformations or hypogonadotropic hypogonadism. Also called: Intellectual disability, autosomal dominant 27; Coffin-Siris Syndrome 9. Identifiers: Orphanet 1465, MedGen C4014528, MONDO:0014376, OMIM 615866.

Submission:

SIB Swiss Institute of Bioinformatics
Classification: Pathogenic for Intellectual developmental disorder with microcephaly and with or without ocular malformations or hypogonadotropic hypogonadism. Last evaluated: 2023-03-09. Review status: criteria provided, single submitter. Criteria: ACMG Guidelines, 2015. Collection method: curation. Allele origin: unknown.
Comment: This variant is interpreted as pathogenic for Intellectual developmental disorder with microcephaly and with or without ocular malformations or hypogonadotropic hypogonadism, autosomal dominant. The following ACMG Tag(s) were applied: Absent from controls (or at extremely low frequency if recessive) in Exome Sequencing Project, 1000 Genomes Project, or Exome Aggregation Consortium (PM2); De novo paternity and maternity confirmed (PS2); Protein length changes as a result of in-frame deletions/insertions in a nonrepeat region or stop-loss variants (PM4 upgraded to very strong).

Literature cited by the submitters: PubMed 26543203.

NM_003108.4(SOX11):c.87C>A (p.Cys29Ter)

Gene: SOX11 (SRY-box transcription factor 11; plus strand). Cytogenetic location: 2p25.2.
Variant type: single nucleotide variant.
Coding change: c.87C>A on transcript NM_003108.4 (MANE Select); coding-DNA position 87, C replaced by A.
Protein change: p.Cys29Ter; replaces cysteine 29 with a stop codon.
Molecular consequence: nonsense.
Genome position (GRCh38, 1-based): chr2:5,692,808, C>A. VCF-style: chr2-5692808-C-A. GRCh37 (hg19) VCF-style: chr2-5832940-C-A.
Other names: short protein forms C29*.
Identifiers: ClinVar variation 2443007 (VCV002443007.1), dbSNP rs1306957190, ClinGen allele CA345865899.